The following is an entry in ClinVar:

NM_001943.5(DSG2):c.1016A>C (p.Glu339Ala)

Gene: DSG2 (desmoglein 2; plus strand). Cytogenetic location: 18q12.1.
Variant type: single nucleotide variant.
Coding change: c.1016A>C on transcript NM_001943.5 (MANE Select); coding-DNA position 1016, A replaced by C.
Protein change: p.Glu339Ala; replaces glutamic acid 339 with alanine.
Molecular consequence: missense variant.
Genome position (GRCh38, 1-based): chr18:31,530,988, A>C. VCF-style: chr18-31530988-A-C. GRCh37 (hg19) VCF-style: chr18-29110951-A-C.
Other names: short protein forms E339A.
Identifiers: ClinVar variation 2580712 (VCV002580712.1), dbSNP rs2510915239, ClinGen allele CA402137846.

ClinVar aggregate classification (germline): Uncertain significance (1 of 4 stars; one submission).

Allele frequency attached by ClinVar (database versions not stated): gnomAD exomes below 0.00001.
gnomAD v4.1: 1 of 1,613,864 alleles (0.000062%); highest among the groups gnomAD compares: Non-Finnish European, 0.000085%; no homozygotes.

Submission:

GeneDx
Classification: Uncertain significance. Last evaluated: 2023-03-23. Review status: criteria provided, single submitter. Criteria: GeneDx Variant Classification Process June 2021. Collection method: clinical testing. Allele origin: germline. Affected: yes.
Comment: Not observed at significant frequency in large population cohorts (gnomAD); In silico analysis supports that this missense variant does not alter protein structure/function; Has not been previously published as pathogenic or benign to our knowledge